The following is an entry in ClinVar:

ClinVar aggregate classification (germline): Likely benign (1 of 4 stars; one submission).

Submission:

CeGaT Center for Human Genetics Tuebingen
Classification: Likely benign. Last evaluated: 2023-07-01. Review status: criteria provided, single submitter. Criteria: CeGaT Center For Human Genetics Tuebingen Variant Classification Criteria Version 2. Collection method: clinical testing. Allele origin: germline. Affected: yes. Observed: 3 variant alleles.
Comment: MUC5B: BP4, BP7

NM_002458.3(MUC5B):c.11490T>C (p.Thr3830=)

Genes: MUC5B (mucin 5B, oligomeric mucus/gel-forming; plus strand), MUC5B-AS1 (MUC5B antisense RNA 1; minus strand). Cytogenetic location: 11p15.5.
Variant type: single nucleotide variant.
Coding change: c.11490T>C on transcript NM_002458.3 (MANE Select); coding-DNA position 11490, T replaced by C.
Protein change: p.Thr3830=; no amino-acid change (threonine 3830 retained).
Molecular consequence: synonymous variant.
Genome position (GRCh38, 1-based): chr11:1,248,370, T>C. VCF-style: chr11-1248370-T-C. GRCh37 (hg19) VCF-style: chr11-1269600-T-C.
Identifiers: ClinVar variation 2641275 (VCV002641275.24), dbSNP rs1201579980, ClinGen allele CA472453641.